The following is an entry in ClinVar:

ClinVar aggregate classification (germline): Conflicting classifications of pathogenicity. Review status: criteria provided, conflicting classifications (1 of 4 stars). 2 submissions from 2 submitters: Uncertain significance (1); Likely benign (1). Last evaluated 2025-11-03.

gnomAD v4.1: 544 of 1,289,218 alleles (0.042%); highest among the groups gnomAD compares: Non-Finnish European, 0.053%; 2 homozygotes.

Submissions (2):

Women's Health and Genetics/Laboratory Corporation of America, LabCorp
Classification: Uncertain significance. Last evaluated: 2025-11-03. Review status: criteria provided, single submitter. Criteria: LabCorp Variant Classification Summary - May 2015. Collection method: clinical testing. Allele origin: germline.
Comment: Variant summary: DSE c.-1268A>C is located in the untranscribed region upstream of the DSE gene region. The variant allele was found at a frequency of 0.00013 in 128386 control chromosomes, predominantly at a frequency of 0.00029 within the Non-Finnish European subpopulation in the gnomAD database. This frequency is not significantly higher than estimated for disease-causing variants in DSE, allowing no conclusion about variant significance. To our knowledge, no occurrence of c.-1268A>C in individuals affected with DSE-related conditions and no experimental evidence demonstrating its impact on protein function have been reported. No submitters have cited clinical-significance assessments for this variant to ClinVar. Based on the evidence outlined above, the variant was classified as uncertain significance.

Blueprint Genetics
Classification: Likely benign. Last evaluated: 2024-09-25. Review status: criteria provided, single submitter. Criteria: ACMG Guidelines, 2015. Collection method: clinical testing. Allele origin: germline.

NM_013352.4(DSE):c.-1268A>C

Genes: DSE (dermatan sulfate epimerase; plus strand), LOC100287467 (uncharacterized LOC100287467; minus strand). Cytogenetic location: 6q22.1.
Variant type: single nucleotide variant.
Coding change: c.-1268A>C on transcript NM_013352.4 (MANE Select); 1268 bases upstream of the start codon, A replaced by C.
Molecular consequence: genic upstream transcript variant. On other transcripts: non-coding transcript variant (4), 5 prime UTR variant (1), intron variant (7).
Genome position (GRCh38, 1-based): chr6:116,369,907, A>C. VCF-style: chr6-116369907-A-C. GRCh37 (hg19) VCF-style: chr6-116691070-A-C.
Other names: c.-17A>C (NM_001322939.2); c.-953-29291A>C (NM_001374520.1); c.-53-29291A>C (NM_001322937.2, NM_001322938.2, NM_001374522.1 and 1 more transcripts); c.-640-29291A>C (NM_001374521.1); c.-610-29291A>C (NM_001322940.2).
Identifiers: ClinVar variation 4537123 (VCV004537123.2).